The following is an entry in ClinVar:

ClinVar aggregate classification (germline): Likely benign (1 of 4 stars; one submission).

gnomAD v4.1: 92 of 1,594,522 alleles (0.0058%); highest among the groups gnomAD compares: Non-Finnish European, 0.0016%; no homozygotes.

Submission:

CeGaT Center for Human Genetics Tuebingen
Classification: Likely benign. Last evaluated: 2025-01-01. Review status: criteria provided, single submitter. Criteria: CeGaT Center For Human Genetics Tuebingen Variant Classification Criteria Version 2. Collection method: clinical testing. Allele origin: germline. Affected: yes. Observed: 1 variant allele.
Comment: PLXNB2: BP4, BP7

NM_012401.4(PLXNB2):c.3438C>T (p.Asp1146=)

Gene: PLXNB2 (plexin B2; minus strand). Cytogenetic location: 22q13.33.
Variant type: single nucleotide variant.
Coding change: c.3438C>T on transcript NM_012401.4 (MANE Select); coding-DNA position 3438, C replaced by T.
Protein change: p.Asp1146=; no amino-acid change (aspartic acid 1146 retained).
Molecular consequence: synonymous variant.
Genome position (GRCh38, 1-based): chr22:50,281,650, G>A on the plus strand (C>T on the coding strand, the complement: PLXNB2 is on the minus strand). VCF-style: chr22-50281650-G-A. GRCh37 (hg19) VCF-style: chr22-50720079-G-A.
Other names: c.3675C>T, p.Asp1225= (NM_001376864.1); c.3507C>T, p.Asp1169= (NM_001376865.1); c.3438C>T, p.Asp1146= (NM_001376866.1, NM_001376867.1, NM_001376868.1 and 16 more transcripts); c.3414C>T, p.Asp1138= (NM_001376883.1); c.3345C>T, p.Asp1115= (NM_001376886.1).
Identifiers: ClinVar variation 3771634 (VCV003771634.13).
Genomic context (GRCh38, chr22:50,281,650, plus strand): 5'-GGTGTCTCGTTTCTGCCGCCGCTTGGGCGGGGGCTGCACCTCCGGGGGCTCACAGTACAG[G>A]TCGGTCTCCGTCAGCGTCTTCATGGTGCAGCGCTCGGCACCCACGAAGGCCTCGGCCTCC-3'
Protein context (NP_036533.2, residues 1136-1156): RCTMKTLTET[Asp1146=]LYCEPPEVQP